The following is an entry in ClinVar:

NM_017636.4(TRPM4):c.243G>A (p.Thr81=)

Gene: TRPM4 (transient receptor potential cation channel subfamily M member 4; plus strand). Cytogenetic location: 19q13.33.
Variant type: single nucleotide variant.
Coding change: c.243G>A on transcript NM_017636.4 (MANE Select); coding-DNA position 243, G replaced by A.
Protein change: p.Thr81=; no amino-acid change (threonine 81 retained).
Molecular consequence: synonymous variant. On other transcripts: 5 prime UTR variant (1), intron variant (2).
Genome position (GRCh38, 1-based): chr19:49,166,191, G>A. VCF-style: chr19-49166191-G-A. GRCh37 (hg19) VCF-style: chr19-49669448-G-A.
Other names: c.243G>A, p.Thr81= (NM_001195227.2, NM_001321281.2); c.-1130G>A (NM_001321282.2); c.-74-2069G>A (NM_001321283.2); c.-237-2362G>A (NM_001321285.2).
Identifiers: ClinVar variation 329841 (VCV000329841.17), dbSNP rs375928899, ClinGen allele CA9568730.
Genomic context (GRCh38, chr19:49,166,191, plus strand): 5'-GGACAGCGATGCACACACCACGGAGAAGCCCACCGATGCCTACGGAGAGCTGGACTTCAC[G>A]GGGGCCGGCCGCAAGCACAGCAATGTGAGGCGGGCCTCTGTGGGCGGGGCCCGGGCACCA-3'
Protein context (NP_060106.2, residues 71-91): PTDAYGELDF[Thr81=]GAGRKHSNFL

ClinVar aggregate classification (germline): Benign/Likely benign. Review status: criteria provided, multiple submitters, no conflicts (2 of 4 stars). 5 submissions from 5 submitters: Benign (3); Likely benign (2). Last evaluated 2026-03-27.

Conditions:
Cardiovascular phenotype. Identifiers: MedGen CN230736.
Progressive familial heart block type IB (PFHB1B). Identifiers: Orphanet 871, MedGen C1970298, MONDO:0011474, OMIM 604559.

Allele frequency attached by ClinVar (database versions not stated): TOPMed 0.00002; 1000 Genomes Project 30x 0.00265; 1000 Genomes Project 0.00300.
gnomAD v4.1: 965 of 1,607,752 alleles (0.06%); highest among the groups gnomAD compares: South Asian, 1%; 6 homozygotes.

Submissions (5):

Molecular Diagnostic Laboratory for Inherited Cardiovascular Disease, Montreal Heart Institute
Classification: Benign. Last evaluated: 2026-03-27. Review status: criteria provided, single submitter. Criteria: ACMG Guidelines, 2015. Collection method: clinical testing. Allele origin: germline. Affected: no.
Comment: BS1;BP7

Labcorp Genetics (formerly Invitae), Labcorp
Classification: Benign for Progressive familial heart block type IB. Last evaluated: 2026-02-01. Review status: criteria provided, single submitter. Criteria: Invitae Variant Classification Sherloc (09022015). Collection method: clinical testing. Allele origin: germline.

Blueprint Genetics
Classification: Likely benign. Last evaluated: 2024-11-21. Review status: criteria provided, single submitter. Criteria: ACMG Guidelines, 2015. Collection method: clinical testing. Allele origin: germline.

Illumina Laboratory Services, Illumina
Classification: Likely benign for Progressive familial heart block type IB. Last evaluated: 2018-01-13. Review status: criteria provided, single submitter. Criteria: ICSL Variant Classification Criteria 13 December 2019. Collection method: clinical testing. Allele origin: germline.
Comment: This variant was observed in the ICSL laboratory as part of a predisposition screen in an ostensibly healthy population. It had not been previously curated by ICSL or reported in the Human Gene Mutation Database (HGMD: prior to June 1st, 2018), and was therefore a candidate for classification through an automated scoring system. Utilizing variant allele frequency, disease prevalence and penetrance estimates, and inheritance mode, an automated score was calculated to assess if this variant is too frequent to cause the disease. Based on the score and internal cut-off values, a variant classified as likely benign is not then subjected to further curation. The score for this variant resulted in a classification of likely benign for this disease.

Ambry Genetics
Classification: Benign for Cardiovascular phenotype. Last evaluated: 2017-11-28. Review status: criteria provided, single submitter. Criteria: Ambry Variant Classification Scheme 2023. Collection method: clinical testing. Allele origin: germline.